The following is an entry in ClinVar:

NM_000138.5(FBN1):c.4328C>T (p.Ala1443Val)

Genes: FBN1 (fibrillin 1; minus strand), LOC126862124 (CDK7 strongly-dependent group 2 enhancer GRCh37_chr15:48764566-48765765; plus strand). Cytogenetic location: 15q21.1.
Variant type: single nucleotide variant.
Coding change: c.4328C>T on transcript NM_000138.5 (MANE Select); coding-DNA position 4328, C replaced by T.
Protein change: p.Ala1443Val; replaces alanine 1443 with valine.
Molecular consequence: missense variant.
Genome position (GRCh38, 1-based): chr15:48,472,559, G>A on the plus strand (C>T on the coding strand, the complement: FBN1 is on the minus strand). VCF-style: chr15-48472559-G-A. GRCh37 (hg19) VCF-style: chr15-48764756-G-A.
Other names: short protein forms A1443V.
Identifiers: ClinVar variation 925008 (VCV000925008.5), dbSNP rs560230585, ClinGen allele CA052497.
Genomic context (GRCh38, chr15:48,472,559, plus strand): 5'-ACCTAATCTCATCAAGCCCAGCAAGGCTCCCAGTGGCTTCCCCATCAGTTACCTTCACAG[G>A]CTTTCCCGTCAGCACTGGGCACGAAGCCCATGTCGCATTCACAGCGGTATCCTCCTGGTG-3'
Protein context (NP_000129.3, residues 1433-1453): MGFVPSADGK[Ala1443Val]CEDIDECSLP

ClinVar aggregate classification (germline): Uncertain significance. Review status: criteria provided, multiple submitters, no conflicts (2 of 4 stars). 3 submissions from 3 submitters: Uncertain significance (3). Last evaluated 2024-08-06.

Conditions:
Weill-Marchesani syndrome 2, dominant. Also called: FBN1-Related Weill-Marchesani Syndrome; Weill-Marchesani Syndrome, Autosomal Dominant. Identifiers: Orphanet 2084, MedGen C1869115, MONDO:0012013, OMIM 608328.
Progeroid and marfanoid aspect-lipodystrophy syndrome. Also called: MARFANOID-PROGEROID SYNDROME; MARFAN-PROGEROID-LIPODYSTROPHY SYNDROME; Marfan lipodystrophy syndrome; MARFANOID-PROGEROID-LIPODYSTROPHY SYNDROME. Identifiers: Orphanet 300382, MedGen C4310796, MONDO:0014831, OMIM 616914.
Acromicric dysplasia (ACMICD). Also called: Acromicric skeletal dysplasia. Identifiers: Orphanet 969, MedGen C0265287, MONDO:0007055, OMIM 102370.
Ectopia lentis 1, isolated, autosomal dominant (ECTOL1). Identifiers: Orphanet 1885, MedGen C3541518, MONDO:0007514, OMIM 129600.
Geleophysic dysplasia 2 (GPHYSD2). Identifiers: Orphanet 2623, MedGen C3280054, MONDO:0013612, OMIM 614185.
Marfan syndrome (MFS). Also called: Marfan syndrome, classic; Marfan syndrome type 1; Marfan's syndrome; FBN1-Related Marfan Syndrome; MARFAN SYNDROME, TYPE I. Identifiers: Orphanet 284963, Orphanet 558, MedGen C0024796, MONDO:0007947, OMIM 154700.
MASS syndrome (OCTD). Also called: OVERLAP CONNECTIVE TISSUE DISEASE; MASS PHENOTYPE. Identifiers: MedGen C1858556, MONDO:0011431, OMIM 604308.
Stiff skin syndrome (SSKS). Identifiers: Orphanet 2833, MedGen C1861456, MONDO:0008492, OMIM 184900.
Familial thoracic aortic aneurysm and aortic dissection (TAAD). Also called: Thoracic aortic aneurysms and dissections. Identifiers: Orphanet 91387, MedGen C4707243, MONDO:0019625.

Allele frequency attached by ClinVar (database versions not stated): gnomAD 0.00001; ExAC 0.00002; gnomAD exomes 0.00001; 1000 Genomes Project 0.00020; 1000 Genomes Project 30x 0.00016.
gnomAD v4.1: 11 of 1,613,784 alleles (0.00068%); highest among the groups gnomAD compares: South Asian, 0.012%; no homozygotes.

Submissions (3):

All of Us Research Program, National Institutes of Health
Classification: Uncertain significance for Marfan syndrome. Last evaluated: 2024-08-06. Review status: criteria provided, single submitter. Criteria: ACMG Guidelines, 2015. Collection method: clinical testing. Allele origin: germline. Inheritance: Autosomal dominant inheritance. Observed: 1 variant allele, 1 heterozygote.
Comment: Variant of Uncertain Significance due to insufficient evidence: This missense variant is located in the calcium-binding EGF-like motif 24 of the FBN1 protein. Computational prediction tools and conservation analyses are inconclusive regarding the impact of this variant on the protein function. Computational splicing tools suggest that this variant may not impact RNA splicing. To our knowledge, functional assays have not been performed for this variant nor has this variant been reported in individuals affected with cardiovascular disorders in the literature. This variant has been identified in 3/246008 chromosomes in the general population by the Genome Aggregation Database (gnomAD). Available evidence is insufficient to determine the pathogenicity of this variant conclusively.

This study involves interpretation of variants in research participants for the purpose of population health screening. Participant phenotype was not available at the time of variant classification. Additional details can be found in publication PMID: 35346344, PMCID: PMC8962531

Fulgent Genetics
Classification: Uncertain significance for Acromicric dysplasia; Ectopia lentis 1, isolated, autosomal dominant; Marfan syndrome; Stiff skin syndrome; MASS syndrome; Weill-Marchesani syndrome 2, dominant; Geleophysic dysplasia 2; Progeroid and marfanoid aspect-lipodystrophy syndrome. Last evaluated: 2021-08-03. Review status: criteria provided, single submitter. Criteria: ACMG Guidelines, 2015. Collection method: clinical testing. Allele origin: unknown.

Color Diagnostics, LLC DBA Color Health
Classification: Uncertain significance for Familial thoracic aortic aneurysm and aortic dissection. Last evaluated: 2018-11-07. Review status: criteria provided, single submitter. Criteria: ACMG Guidelines, 2015. Collection method: clinical testing. Allele origin: germline.
Comment: Variant of Uncertain Significance due to insufficient evidence: This missense variant is located in the calcium-binding EGF-like motif 24 of the FBN1 protein. Computational prediction tools and conservation analyses are inconclusive regarding the impact of this variant on the protein function. Computational splicing tools suggest that this variant may not impact RNA splicing. To our knowledge, functional assays have not been performed for this variant nor has this variant been reported in individuals affected with cardiovascular disorders in the literature. This variant has been identified in 3/246008 chromosomes in the general population by the Genome Aggregation Database (gnomAD). Available evidence is insufficient to determine the pathogenicity of this variant conclusively.